The following is an entry in ClinVar:

NM_005327.7(HADH):c.166_169del (p.Val56fs)

Gene: HADH (hydroxyacyl-CoA dehydrogenase; plus strand). Cytogenetic location: 4q25.
Variant type: Deletion.
Coding change: c.166_169del on transcript NM_005327.7 (MANE Select); coding-DNA positions 166 to 169, 4 bases deleted (GTAG; older notation c.166_169delGTAG).
Protein change: p.Val56fs; shifts the reading frame from valine 56.
Molecular consequence: frameshift variant.
Genome position (GRCh38, 1-based): chr4:108,009,792-108,009,795, GTAG deleted; deleting any 4 consecutive bases within chr4:108,009,791-108,009,795 gives the same sequence; the c. name uses the placement nearest the transcript's 3' end. VCF-style (leftmost placement, unchanged base first): chr4-108009790-TGGTA-T. GRCh37 (hg19) VCF-style: chr4-108930946-TGGTA-T.
Other names: c.166_169del, p.Val56fs (NM_001184705.4); c.178_181del, p.Val60fs (NM_001331027.2); c.165_168delGGTA (NM_005327.7); short protein forms V56fs, V60fs.
Identifiers: ClinVar variation 2446434 (VCV002446434.2), dbSNP rs2477199629, ClinGen allele CA2580071329.

ClinVar aggregate classification (germline): Likely pathogenic (1 of 4 stars; one submission).

Conditions:
Deficiency of 3-hydroxyacyl-CoA dehydrogenase. Also called: 3-hydroxyacyl-CoA dehydrogenase deficiency; HADH DEFICIENCY. Identifiers: Orphanet 309127, Orphanet 71212, MedGen C1291230, MONDO:0017715, OMIM 231530.

Submission:

Lifecell International Pvt. Ltd
Classification: Likely pathogenic for Deficiency of 3-hydroxyacyl-CoA dehydrogenase. Review status: criteria provided, single submitter. Criteria: ACMG Guidelines, 2015. Collection method: clinical testing. Allele origin: germline. Inheritance: Autosomal recessive inheritance. Affected: yes. Observed: 1 homozygote.
Comment: A Homozygote Frameshift variant c.165_168delGGTA in Exon 2 of the HADH gene that results in the amino acid substitution p.Val56fs*41 was identified. The observed variant is novel in gnomAD exomes and genomes, respectively. The severity of the impact of this variant on the protein is high, based on the effect of the protein and REVEL score . Rare Exome Variant Ensemble Learner (REVEL) is an ensembl method for predicting the pathogenicity of missense variants based on a combination of scores from 13 individual tools: MutPred, FATHMM v2.3, VEST 3.0, PolyPhen-2, SIFT, PROVEAN, MutationAssessor, MutationTaster, LRT, GERP++, SiPhy, phyloP, and phastCons. The REVEL score for an individual missense variant can range from 0 to 1, with higher scores reflecting greater likelihood that the variant is disease-causing. For these reasons this variant has been classified as Likely Pathogenic.